The following is an entry in ClinVar:

ClinVar aggregate classification (germline): Benign/Likely benign. Review status: criteria provided, multiple submitters, no conflicts (2 of 4 stars). 5 submissions from 5 submitters: Benign (3); Likely benign (2). Last evaluated 2026-01-26.

Conditions:
Microcephaly-intellectual disability-sensorineural hearing loss-epilepsy-abnormal muscle tone syndrome (NEDHSB). Also called: NEURODEVELOPMENTAL DISORDER WITH HEARING LOSS, SEIZURES, AND BRAIN ABNORMALITIES. Identifiers: Orphanet 457351, MedGen C4225276, MONDO:0014698, OMIM 616577.

Allele frequency attached by ClinVar (database versions not stated): gnomAD exomes 0.00026 and 0.00094; gnomAD 0.00034 and 0.00054; TOPMed 0.00050; ExAC 0.00086; 1000 Genomes Project 30x 0.00265; 1000 Genomes Project 0.00300.
gnomAD v4.1: 462 of 1,614,062 alleles (0.029%); highest among the groups gnomAD compares: East Asian, 0.91%; 5 homozygotes.

Submissions (5):

Labcorp Genetics (formerly Invitae), Labcorp
Classification: Benign for Microcephaly-intellectual disability-sensorineural hearing loss-epilepsy-abnormal muscle tone syndrome. Last evaluated: 2026-01-26. Review status: criteria provided, single submitter. Criteria: Invitae Variant Classification Sherloc (09022015). Collection method: clinical testing. Allele origin: germline.

Blueprint Genetics
Classification: Likely benign. Last evaluated: 2024-10-04. Review status: criteria provided, single submitter. Criteria: ACMG Guidelines, 2015. Collection method: clinical testing. Allele origin: germline.

CeGaT Center for Human Genetics Tuebingen
Classification: Benign. Last evaluated: 2023-01-01. Review status: criteria provided, single submitter. Criteria: CeGaT Center For Human Genetics Tuebingen Variant Classification Criteria Version 2. Collection method: clinical testing. Allele origin: germline. Affected: yes. Observed: 1 variant allele.
Comment: AFG2A: BS1, BS2

GeneDx
Classification: Likely benign. Last evaluated: 2021-05-26. Review status: criteria provided, single submitter. Criteria: GeneDx Variant Classification Process June 2021. Collection method: clinical testing. Allele origin: germline. Affected: yes.

Genetic Services Laboratory, University of Chicago
Classification: Benign. Last evaluated: 2019-03-21. Review status: criteria provided, single submitter. Criteria: ACMG Guidelines, 2015. Collection method: clinical testing. Allele origin: germline. Affected: no.

NM_145207.3(AFG2A):c.1616G>T (p.Arg539Met)

Gene: AFG2A (AAA ATPase AFG2A; plus strand). Cytogenetic location: 4q28.1.
Variant type: single nucleotide variant.
Coding change: c.1616G>T on transcript NM_145207.3 (MANE Select); coding-DNA position 1616, G replaced by T.
Protein change: p.Arg539Met; replaces arginine 539 with methionine.
Molecular consequence: missense variant.
Genome position (GRCh38, 1-based): chr4:122,947,390, G>T. VCF-style: chr4-122947390-G-T. GRCh37 (hg19) VCF-style: chr4-123868545-G-T.
Other names: c.1613G>T, p.Arg538Met (NM_001317799.2, NM_001345856.2); short protein forms R539M, R538M.
Identifiers: ClinVar variation 475721 (VCV000475721.41), dbSNP rs74991481, ClinGen allele CA3070496.